The following is an entry in ClinVar:

NM_014946.4(SPAST):c.284C>T (p.Ala95Val)

Gene: SPAST (spastin; plus strand). Cytogenetic location: 2p22.3.
Variant type: single nucleotide variant.
Coding change: c.284C>T on transcript NM_014946.4 (MANE Select); coding-DNA position 284, C replaced by T.
Protein change: p.Ala95Val; replaces alanine 95 with valine.
Molecular consequence: missense variant.
Genome position (GRCh38, 1-based): chr2:32,064,115, C>T. VCF-style: chr2-32064115-C-T. GRCh37 (hg19) VCF-style: chr2-32289184-C-T.
Other names: c.284C>T, p.Ala95Val (NM_001363823.2, NM_001363875.2, NM_001377959.1 and 1 more transcripts); short protein forms A95V.
Identifiers: ClinVar variation 1020914 (VCV001020914.8), dbSNP rs780016543, ClinGen allele CA1600538.
Genomic context (GRCh38, chr2:32,064,115, plus strand): 5'-TCGTGTGGCTCTGCCAGCGCTTCTCCCGCGCCCTCATGGCAGCCAAGAGGAGCTCCGGGG[C>T]CGCGCCAGCACCTGCCTCGGCCTCGGCCCCGGCGCCGGTGCCGGGCGGCGAGGCCGAGCG-3'
Protein context (NP_055761.2, residues 85-105): ALMAAKRSSG[Ala95Val]APAPASASAP

ClinVar aggregate classification (germline): Uncertain significance (1 of 4 stars; one submission).

Conditions:
Hereditary spastic paraplegia 4. Also called: Familial spastic paraplegia autosomal dominant 2; Spastic paraplegia 4, autosomal dominant; Spastic Paraplegia 4. Identifiers: Orphanet 100985, MedGen C1866855, MONDO:0008438, OMIM 182601.

Submission:

Labcorp Genetics (formerly Invitae), Labcorp
Classification: Uncertain significance for Hereditary spastic paraplegia 4. Last evaluated: 2023-09-29. Review status: criteria provided, single submitter. Criteria: Invitae Variant Classification Sherloc (09022015). Collection method: clinical testing. Allele origin: germline.
Comment: This variant has not been reported in the literature in individuals affected with SPAST-related conditions. This variant is present in population databases (rs780016543, gnomAD 0.001%). This sequence change replaces alanine, which is neutral and non-polar, with valine, which is neutral and non-polar, at codon 95 of the SPAST protein (p.Ala95Val). In summary, the available evidence is currently insufficient to determine the role of this variant in disease. Therefore, it has been classified as a Variant of Uncertain Significance. Advanced modeling of protein sequence and biophysical properties (such as structural, functional, and spatial information, amino acid conservation, physicochemical variation, residue mobility, and thermodynamic stability) has been performed at Invitae for this missense variant, however the output from this modeling did not meet the statistical confidence thresholds required to predict the impact of this variant on SPAST protein function. ClinVar contains an entry for this variant (Variation ID: 1020914).